The following is an entry in ClinVar:

NM_001371986.1(UNC80):c.6626C>A (p.Ser2209Ter)

Gene: UNC80 (unc-80 subunit of NALCN channel complex; plus strand). Cytogenetic location: 2q34.
Variant type: single nucleotide variant.
Coding change: c.6626C>A on transcript NM_001371986.1 (MANE Select); coding-DNA position 6626, C replaced by A.
Protein change: p.Ser2209Ter; replaces serine 2209 with a stop codon.
Molecular consequence: nonsense.
Genome position (GRCh38, 1-based): chr2:209,939,632, C>A. VCF-style: chr2-209939632-C-A. GRCh37 (hg19) VCF-style: chr2-210804356-C-A.
Other names: c.6428C>A, p.Ser2143Ter (NM_032504.2); c.6413C>A, p.Ser2138Ter (NM_182587.4); short protein forms S2138*, S2143*, S2209*.
Identifiers: ClinVar variation 4720243 (VCV004720243.1).

ClinVar aggregate classification (germline): Pathogenic (1 of 4 stars; one submission).

Submission:

Labcorp Genetics (formerly Invitae), Labcorp
Classification: Pathogenic. Last evaluated: 2025-07-02. Review status: criteria provided, single submitter. Criteria: Invitae Variant Classification Sherloc (09022015). Collection method: clinical testing. Allele origin: germline.
Comment: This sequence change creates a premature translational stop signal (p.Ser2143*) in the UNC80 gene. It is expected to result in an absent or disrupted protein product. Loss-of-function variants in UNC80 are known to be pathogenic (PMID: 26545877, 26708751, 26708753). This variant is not present in population databases (gnomAD no frequency). This variant has not been reported in the literature in individuals affected with UNC80-related conditions. For these reasons, this variant has been classified as Pathogenic.

Literature cited by the submitters: PubMed 26545877; PubMed 26708751; PubMed 26708753.